The following is an entry in ClinVar:

ClinVar aggregate classification (germline): Uncertain significance (1 of 4 stars; one submission).

gnomAD v4.1: 35 of 1,614,108 alleles (0.0022%); highest among the groups gnomAD compares: Non-Finnish European, 0.0028%; no homozygotes.

Submission:

Ambry Genetics
Classification: Uncertain significance. Last evaluated: 2024-04-19. Review status: criteria provided, single submitter. Criteria: Ambry Variant Classification Scheme 2023. Collection method: clinical testing. Allele origin: germline.
Comment: The p.N165H variant (also known as c.493A>C), located in coding exon 5 of the PKP4 gene, results from an A to C substitution at nucleotide position 493. The asparagine at codon 165 is replaced by histidine, an amino acid with similar properties. This amino acid position is conserved. In addition, the in silico prediction for this alteration is inconclusive. Based on the available evidence, the clinical significance of this variant remains unclear.

NM_003628.6(PKP4):c.493A>C (p.Asn165His)

Gene: PKP4 (plakophilin 4; plus strand). Cytogenetic location: 2q24.1.
Variant type: single nucleotide variant.
Coding change: c.493A>C on transcript NM_003628.6 (MANE Select); coding-DNA position 493, A replaced by C.
Protein change: p.Asn165His; replaces asparagine 165 with histidine.
Molecular consequence: missense variant. On other transcripts: 5 prime UTR variant (1).
Genome position (GRCh38, 1-based): chr2:158,621,311, A>C. VCF-style: chr2-158621311-A-C. GRCh37 (hg19) VCF-style: chr2-159477823-A-C.
Other names: c.493A>C, p.Asn165His (NM_001005476.4, NM_001304969.3, NM_001304971.2 and 6 more transcripts); c.-457A>C (NM_001304970.3); c.487A>C, p.Asn163His (NM_001377222.1, NM_001377223.1, NM_001377224.1); short protein forms N165H, N163H.
Identifiers: ClinVar variation 3307119 (VCV003307119.1).
Genomic context (GRCh38, chr2:158,621,311, plus strand): 5'-AGTTCAACACAAATGAATTCTTATTCCGACAGTGGATACCAGGAAGCAGGGAGTTTCCAC[A>C]ACAGCCAGAACGTGAGCAAGGCAGACAACAGACAGCAGCATTCATTCATAGGATCAACTA-3'
Protein context (NP_003619.2, residues 155-175): SGYQEAGSFH[Asn165His]SQNVSKADNR